The following is an entry in ClinVar:

NM_022089.4(ATP13A2):c.35C>T (p.Thr12Met)

Gene: ATP13A2 (ATPase cation transporting 13A2; minus strand). Cytogenetic location: 1p36.13.
Variant type: single nucleotide variant.
Coding change: c.35C>T on transcript NM_022089.4 (MANE Select); coding-DNA position 35, C replaced by T.
Protein change: p.Thr12Met; replaces threonine 12 with methionine.
Molecular consequence: missense variant.
Genome position (GRCh38, 1-based): chr1:17,005,754, G>A on the plus strand (C>T on the coding strand, the complement: ATP13A2 is on the minus strand). VCF-style: chr1-17005754-G-A. GRCh37 (hg19) VCF-style: chr1-17332249-G-A.
Other names: c.35C>T, p.Thr12Met (NM_001141973.3, NM_001141974.3); short protein forms T12M.
Identifiers: ClinVar variation 646881 (VCV000646881.18), dbSNP rs151117874, ClinGen allele CA637791.

ClinVar aggregate classification (germline): Conflicting classifications of pathogenicity. Review status: criteria provided, conflicting classifications (1 of 4 stars). 6 submissions from 6 submitters: Uncertain significance (5); Likely benign (1). Last evaluated 2026-05-01.

Conditions:
Kufor-Rakeb syndrome (KRS). Also called: PARKINSON DISEASE 9, AUTOSOMAL RECESSIVE, JUVENILE-ONSET. Identifiers: Orphanet 306674, Orphanet 314632, MedGen C1847640, MONDO:0011706, OMIM 606693.
Autosomal recessive spastic paraplegia type 78. Identifiers: Orphanet 513436, MedGen C5567893, MONDO:0014975, OMIM 617225.
Inborn genetic diseases. Identifiers: MedGen C0950123, MeSH D030342.

Allele frequency attached by ClinVar (database versions not stated): gnomAD 0.00009 and 0.00012; ExAC 0.00011; TOPMed 0.00011; ESP Exome Variant Server 0.00015.
gnomAD v4.1: 294 of 1,612,268 alleles (0.018%); highest among the groups gnomAD compares: Non-Finnish European, 0.023%; no homozygotes.

Submissions (6):

CeGaT Center for Human Genetics Tuebingen
Classification: Uncertain significance. Last evaluated: 2026-05-01. Review status: criteria provided, single submitter. Criteria: CeGaT Center For Human Genetics Tuebingen Variant Classification Criteria Version 2. Collection method: clinical testing. Allele origin: germline. Affected: yes. Observed: 1 variant allele.
Comment: ATP13A2: PM2

Labcorp Genetics (formerly Invitae), Labcorp
Classification: Likely benign for Kufor-Rakeb syndrome; Autosomal recessive spastic paraplegia type 78. Last evaluated: 2025-11-16. Review status: criteria provided, single submitter. Criteria: Invitae Variant Classification Sherloc (09022015). Collection method: clinical testing. Allele origin: germline.

Blueprint Genetics
Classification: Uncertain significance. Last evaluated: 2024-11-18. Review status: criteria provided, single submitter. Criteria: ACMG Guidelines, 2015. Collection method: clinical testing. Allele origin: germline.

Department of Pathology and Laboratory Medicine, Sinai Health System
Classification: Uncertain significance for Kufor-Rakeb syndrome. Last evaluated: 2022-03-11. Review status: criteria provided, single submitter. Criteria: ACMG Guidelines, 2015. Collection method: research. Allele origin: germline.

Ambry Genetics
Classification: Uncertain significance for Inborn genetic diseases. Last evaluated: 2021-06-16. Review status: criteria provided, single submitter. Criteria: Ambry Variant Classification Scheme 2023. Collection method: clinical testing. Allele origin: germline.

Illumina Laboratory Services, Illumina
Classification: Uncertain significance for Kufor-Rakeb syndrome. Last evaluated: 2017-04-28. Review status: criteria provided, single submitter. Criteria: ICSL Variant Classification Criteria 13 December 2019. Collection method: clinical testing. Allele origin: germline.
Comment: This variant was observed as part of a predisposition screen in an ostensibly healthy population. A literature search was performed for the gene, cDNA change, and amino acid change (where applicable). Publications were found based on this search. However, the evidence from the literature, in combination with allele frequency data from public databases where available, was not sufficient to rule this variant in or out of causing disease. Therefore, this variant is classified as a variant of unknown significance.

Literature cited by the submitters: PubMed 25374329 (cited by Illumina Laboratory Services, Illumina); PubMed 22768177 (cited by Illumina Laboratory Services, Illumina); PubMed 17485642 (cited by Illumina Laboratory Services, Illumina); PubMed 23499937 (cited by Illumina Laboratory Services, Illumina); PubMed 25466404 (cited by Illumina Laboratory Services, Illumina).